The following is an entry in ClinVar:

NM_006766.5(KAT6A):c.738T>C (p.Pro246=)

Gene: KAT6A (lysine acetyltransferase 6A; minus strand). Cytogenetic location: 8p11.21.
Variant type: single nucleotide variant.
Coding change: c.738T>C on transcript NM_006766.5 (MANE Select); coding-DNA position 738, T replaced by C.
Protein change: p.Pro246=; no amino-acid change (proline 246 retained).
Molecular consequence: synonymous variant.
Genome position (GRCh38, 1-based): chr8:41,981,926, A>G on the plus strand (T>C on the coding strand, the complement: KAT6A is on the minus strand). VCF-style: chr8-41981926-A-G. GRCh37 (hg19) VCF-style: chr8-41839444-A-G.
Other names: c.738T>C, p.Pro246= (NM_001305878.2).
Identifiers: ClinVar variation 2862932 (VCV002862932.17), dbSNP rs2486826864, ClinGen allele CA460644021.

ClinVar aggregate classification (germline): Likely benign. Review status: criteria provided, multiple submitters, no conflicts (2 of 4 stars). 2 submissions from 2 submitters: Likely benign (2). Last evaluated 2024-10-01.

Allele frequency attached by ClinVar (database versions not stated): gnomAD exomes below 0.00001.
gnomAD v4.1: 2 of 1,613,402 alleles (0.00012%); highest among the groups gnomAD compares: Non-Finnish European, 0.000085%; no homozygotes.

Submissions (2):

CeGaT Center for Human Genetics Tuebingen
Classification: Likely benign. Last evaluated: 2024-10-01. Review status: criteria provided, single submitter. Criteria: CeGaT Center For Human Genetics Tuebingen Variant Classification Criteria Version 2. Collection method: clinical testing. Allele origin: germline. Affected: yes. Observed: 1 variant allele.
Comment: KAT6A: BP4, BP7

Labcorp Genetics (formerly Invitae), Labcorp
Classification: Likely benign. Last evaluated: 2023-05-09. Review status: criteria provided, single submitter. Criteria: Invitae Variant Classification Sherloc (09022015). Collection method: clinical testing. Allele origin: germline.